The following is an entry in ClinVar:

NM_001211.6(BUB1B):c.3067T>G (p.Phe1023Val)

Genes: BUB1B (BUB1 mitotic checkpoint serine/threonine kinase B; plus strand), BUB1B-PAK6 (BUB1B-PAK6 readthrough; plus strand). Cytogenetic location: 15q15.1.
Variant type: single nucleotide variant.
Coding change: c.3067T>G on transcript NM_001211.6 (MANE Select); coding-DNA position 3067, T replaced by G.
Protein change: p.Phe1023Val; replaces phenylalanine 1023 with valine.
Molecular consequence: missense variant. On other transcripts: intron variant (2).
Genome position (GRCh38, 1-based): chr15:40,220,673, T>G. VCF-style: chr15-40220673-T-G. GRCh37 (hg19) VCF-style: chr15-40512874-T-G.
Other names: c.-201+3006T>G (NM_001128628.3); c.-118+3006T>G (NM_001128629.3); short protein forms F1023V.
Identifiers: ClinVar variation 577193 (VCV000577193.12), dbSNP rs1566831798, ClinGen allele CA391690093.

ClinVar aggregate classification (germline): Uncertain significance (1 of 4 stars; one submission).

Conditions:
Mosaic variegated aneuploidy syndrome 1 (MVA1). Also called: Warburton-Anyane-Yeboa syndrome. Identifiers: Orphanet 1052, MedGen C1850343, MONDO:0009759, OMIM 257300.

Submission:

Labcorp Genetics (formerly Invitae), Labcorp
Classification: Uncertain significance for Mosaic variegated aneuploidy syndrome 1. Last evaluated: 2019-10-25. Review status: criteria provided, single submitter. Criteria: Invitae Variant Classification Sherloc (09022015). Collection method: clinical testing. Allele origin: germline.
Comment: In summary, the available evidence is currently insufficient to determine the role of this variant in disease. Therefore, it has been classified as a Variant of Uncertain Significance. Algorithms developed to predict the effect of missense changes on protein structure and function do not agree on the potential impact of this missense change (SIFT: "Tolerated"; PolyPhen-2: "Probably Damaging"; Align-GVGD: "Class C0"). This variant has not been reported in the literature in individuals with BUB1B-related disease. This variant is not present in population databases (ExAC no frequency). This sequence change replaces phenylalanine with valine at codon 1023 of the BUB1B protein (p.Phe1023Val). The phenylalanine residue is weakly conserved and there is a small physicochemical difference between phenylalanine and valine.